The following is an entry in ClinVar:

NM_207352.4(CYP4V2):c.398T>A (p.Leu133Gln)

Gene: CYP4V2 (cytochrome P450 family 4 subfamily V member 2; plus strand). Cytogenetic location: 4q35.1.
Variant type: single nucleotide variant.
Coding change: c.398T>A on transcript NM_207352.4 (MANE Select); coding-DNA position 398, T replaced by A.
Protein change: p.Leu133Gln; replaces leucine 133 with glutamine.
Molecular consequence: missense variant.
Genome position (GRCh38, 1-based): chr4:186,196,073, T>A. VCF-style: chr4-186196073-T-A. GRCh37 (hg19) VCF-style: chr4-187117227-T-A.
Other names: short protein forms L133Q.
Identifiers: ClinVar variation 1492386 (VCV001492386.8), dbSNP rs2126583901, ClinGen allele CA358947198.

ClinVar aggregate classification (germline): Uncertain significance (1 of 4 stars; one submission).

Submission:

Labcorp Genetics (formerly Invitae), Labcorp
Classification: Uncertain significance. Last evaluated: 2020-12-08. Review status: criteria provided, single submitter. Criteria: Invitae Variant Classification Sherloc (09022015). Collection method: clinical testing. Allele origin: germline.
Comment: This sequence change replaces leucine with glutamine at codon 133 of the CYP4V2 protein (p.Leu133Gln). The leucine residue is moderately conserved and there is a moderate physicochemical difference between leucine and glutamine. This variant is not present in population databases (ExAC no frequency). In summary, the available evidence is currently insufficient to determine the role of this variant in disease. Therefore, it has been classified as a Variant of Uncertain Significance. Advanced modeling of protein sequence and biophysical properties (such as structural, functional, and spatial information, amino acid conservation, physicochemical variation, residue mobility, and thermodynamic stability) performed at Invitae indicates that this missense variant is not expected to disrupt CYP4V2 protein function. This variant has not been reported in the literature in individuals with CYP4V2-related conditions.